The following is an entry in ClinVar:

ClinVar aggregate classification (germline): Uncertain significance (1 of 4 stars; one submission).

Conditions:
Hereditary cancer-predisposing syndrome. Also called: Hereditary Cancer Syndrome; Tumor predisposition; Hereditary neoplastic syndrome; Neoplastic Syndromes, Hereditary. Identifiers: Orphanet 140162, MedGen C0027672, MeSH D009386, MONDO:0015356.
Cardiovascular phenotype. Identifiers: MedGen CN230736.

Submission:

Ambry Genetics
Classification: Uncertain significance for Cardiovascular phenotype; Hereditary cancer-predisposing syndrome. Last evaluated: 2024-06-25. Review status: criteria provided, single submitter. Criteria: Ambry Variant Classification Scheme 2023. Collection method: clinical testing. Allele origin: germline.
Comment: The p.N45I variant (also known as c.134A>T), located in coding exon 2 of the NF1 gene, results from an A to T substitution at nucleotide position 134. The asparagine at codon 45 is replaced by isoleucine, an amino acid with dissimilar properties. This amino acid position is conserved. In addition, the in silico prediction for this alteration is inconclusive. Based on the available evidence, the clinical significance of this variant remains unclear.

NM_001042492.3(NF1):c.134A>T (p.Asn45Ile)

Gene: NF1 (neurofibromin 1; plus strand). Cytogenetic location: 17q11.2.
Variant type: single nucleotide variant.
Coding change: c.134A>T on transcript NM_001042492.3 (MANE Select); coding-DNA position 134, A replaced by T.
Protein change: p.Asn45Ile; replaces asparagine 45 with isoleucine.
Molecular consequence: missense variant.
Genome position (GRCh38, 1-based): chr17:31,156,056, A>T. VCF-style: chr17-31156056-A-T. GRCh37 (hg19) VCF-style: chr17-29483074-A-T.
Other names: c.134A>T, p.Asn45Ile (NM_000267.4, NM_001128147.3); short protein forms N45I.
Identifiers: ClinVar variation 3404640 (VCV003404640.1).